The following is an entry in ClinVar:

NM_001130987.2(DYSF):c.460+150A>G

Gene: DYSF (dysferlin; plus strand). Cytogenetic location: 2p13.2.
Variant type: single nucleotide variant.
Coding change: c.460+150A>G on transcript NM_001130987.2 (MANE Select); 150 bases into the intron after coding-DNA position 460, A replaced by G.
Molecular consequence: intron variant.
Genome position (GRCh38, 1-based): chr2:71,512,071, A>G. VCF-style: chr2-71512071-A-G. GRCh37 (hg19) VCF-style: chr2-71739201-A-G.
Other names: NC_000002.11:g.71739201A>G; c.457+150A>G (NM_001130979.2, NM_001130981.2, NM_001130980.2 and 4 more transcripts); c.460+150A>G (NM_001130982.2, NM_001130985.2, NM_001130983.2 and 3 more transcripts).
Identifiers: ClinVar variation 679366 (VCV000679366.5), dbSNP rs57229705, ClinGen allele CA11154905.

ClinVar aggregate classification (germline): Benign. Review status: criteria provided, multiple submitters, no conflicts (2 of 4 stars). 2 submissions from 2 submitters: Benign (2). Last evaluated 2021-06-10.

Conditions:
Miyoshi muscular dystrophy 1 (MMD1). Identifiers: Orphanet 45448, MedGen C4551973, MONDO:0024545, OMIM 254130.

Allele frequency attached by ClinVar (database versions not stated): gnomAD exomes 0.10710; 1000 Genomes Project 0.18730; gnomAD 0.19647 and 0.20055; TOPMed 0.19668.
gnomAD v4.1: 80,747 of 628,728 alleles (13%); highest among the groups gnomAD compares: African/African-American, 24%; 7,395 homozygotes.

Submissions (4):

Genome-Nilou Lab
Classification: Benign for Miyoshi muscular dystrophy 1. Last evaluated: 2021-06-10. Review status: criteria provided, single submitter. Criteria: ACMG Guidelines, 2015. Collection method: clinical testing. Allele origin: germline. Affected: no.

GeneDx
Classification: Benign. Last evaluated: 2018-06-14. Review status: criteria provided, single submitter. Criteria: GeneDx Variant Classification (06012015). Collection method: clinical testing. Allele origin: germline. Affected: yes.
Comment: This variant is considered likely benign or benign based on one or more of the following criteria: it is a conservative change, it occurs at a poorly conserved position in the protein, it is predicted to be benign by multiple in silico algorithms, and/or has population frequency not consistent with disease.

Dr. Peter K. Rogan Lab, Western University
No classification provided (evidence only). Condition: Acute myeloid leukemia. Review status: no classification provided. Collection method: in vitro. Allele origin: not applicable. Functional consequence: retained intron. Not counted in ClinVar's aggregate classification.

Dr. Peter K. Rogan Lab, Western University
No classification provided (evidence only). Condition: Acute myeloid leukemia. Review status: no classification provided. Collection method: in vitro. Allele origin: not applicable. Functional consequence: retained intron. Not counted in ClinVar's aggregate classification.